The following is an entry in ClinVar:

ClinVar aggregate classification (germline): Uncertain significance. Review status: criteria provided, multiple submitters, no conflicts (2 of 4 stars). 2 submissions from 2 submitters: Uncertain significance (2). Last evaluated 2023-06-01.

Conditions:
Dyskeratosis congenita, autosomal dominant 6 (DKCA6). Identifiers: Orphanet 3322, MedGen C4225284, MONDO:0014690, OMIM 616553.
Inborn genetic diseases. Identifiers: MedGen C0950123, MeSH D030342.

Allele frequency attached by ClinVar (database versions not stated): gnomAD exomes below 0.00001.
gnomAD v4.1: 4 of 1,614,108 alleles (0.00025%); highest among the groups gnomAD compares: South Asian, 0.0011%; no homozygotes.

Submissions (2):

Ambry Genetics
Classification: Uncertain significance for Inborn genetic diseases. Last evaluated: 2023-06-01. Review status: criteria provided, single submitter. Criteria: Ambry Variant Classification Scheme 2023. Collection method: clinical testing. Allele origin: germline.
Comment: The p.A513V variant (also known as c.1538C>T), located in coding exon 11 of the ACD gene, results from a C to T substitution at nucleotide position 1538. The alanine at codon 513 is replaced by valine, an amino acid with similar properties. This amino acid position is conserved. In addition, this alteration is predicted to be tolerated by in silico analysis. Since supporting evidence is limited at this time, the clinical significance of this alteration remains unclear.

Labcorp Genetics (formerly Invitae), Labcorp
Classification: Uncertain significance for Dyskeratosis congenita, autosomal dominant 6. Last evaluated: 2022-09-14. Review status: criteria provided, single submitter. Criteria: Invitae Variant Classification Sherloc (09022015). Collection method: clinical testing. Allele origin: germline.
Comment: This sequence change replaces alanine, which is neutral and non-polar, with valine, which is neutral and non-polar, at codon 513 of the ACD protein (p.Ala513Val). This variant is present in population databases (no rsID available, gnomAD 0.003%). This variant has not been reported in the literature in individuals affected with ACD-related conditions. Advanced modeling of protein sequence and biophysical properties (such as structural, functional, and spatial information, amino acid conservation, physicochemical variation, residue mobility, and thermodynamic stability) performed at Invitae indicates that this missense variant is expected to disrupt ACD protein function. In summary, the available evidence is currently insufficient to determine the role of this variant in disease. Therefore, it has been classified as a Variant of Uncertain Significance.

NM_001082486.2(ACD):c.1280C>T (p.Ala427Val)

Gene: ACD (ACD shelterin complex subunit and telomerase recruitment factor; minus strand). Cytogenetic location: 16q22.1.
Variant type: single nucleotide variant.
Coding change: c.1280C>T on transcript NM_001082486.2 (MANE Select); coding-DNA position 1280, C replaced by T.
Protein change: p.Ala427Val; replaces alanine 427 with valine.
Molecular consequence: missense variant.
Genome position (GRCh38, 1-based): chr16:67,657,780, G>A on the plus strand (C>T on the coding strand, the complement: ACD is on the minus strand). VCF-style: chr16-67657780-G-A. GRCh37 (hg19) VCF-style: chr16-67691683-G-A.
Other names: c.1193C>T, p.Ala398Val (NM_001410884.1); c.1271C>T, p.Ala424Val (NM_022914.3); c.1538C>T (NM_001082486.1); short protein forms A424V, A427V, A398V.
Identifiers: ClinVar variation 1923953 (VCV001923953.7), dbSNP rs936069041, ClinGen allele CA283215120.